The following is an entry in ClinVar:

NM_001042492.3(NF1):c.3875A>G (p.Tyr1292Cys)

Gene: NF1 (neurofibromin 1; plus strand). Cytogenetic location: 17q11.2.
Variant type: single nucleotide variant.
Coding change: c.3875A>G on transcript NM_001042492.3 (MANE Select); coding-DNA position 3875, A replaced by G.
Protein change: p.Tyr1292Cys; replaces tyrosine 1292 with cysteine.
Molecular consequence: missense variant.
Genome position (GRCh38, 1-based): chr17:31,235,922, A>G. VCF-style: chr17-31235922-A-G. GRCh37 (hg19) VCF-style: chr17-29562940-A-G.
Other names: c.3875A>G, p.Tyr1292Cys (NM_000267.4); short protein forms Y1292C.
Identifiers: ClinVar variation 404418 (VCV000404418.21), dbSNP rs1060500243, ClinGen allele CA16615238.

ClinVar aggregate classification (germline): Conflicting classifications of pathogenicity. Review status: criteria provided, conflicting classifications (1 of 4 stars). 9 submissions from 9 submitters: Likely pathogenic (1); Uncertain significance (7); Likely benign (1). Last evaluated 2025-12-08.

Conditions:
Hereditary cancer-predisposing syndrome. Also called: Hereditary neoplastic syndrome; Neoplastic Syndromes, Hereditary; Hereditary Cancer Syndrome; Tumor predisposition. Identifiers: Orphanet 140162, MedGen C0027672, MeSH D009386, MONDO:0015356.
Cardiovascular phenotype. Identifiers: MedGen CN230736.
Neurofibromatosis-Noonan syndrome (NFNS). Also called: NEUROFIBROMATOSIS WITH NOONAN PHENOTYPE. Identifiers: Orphanet 638, MedGen C2931482, MONDO:0011035, OMIM 601321. Disease mechanism: loss of function.
Café-au-lait macules with pulmonary stenosis (WTSN). Also called: PULMONIC STENOSIS WITH CAFE-AU-LAIT SPOTS. Identifiers: MedGen C0553586, MONDO:0008672, OMIM 193520.
Neurofibromatosis, type 1 (NF1). Also called: Peripheral type neurofibromatosis; Neurofibromatosis, type I; NEUROFIBROMATOSIS, TYPE I, SOMATIC; VON RECKLINGHAUSEN DISEASE. Identifiers: Orphanet 636, MedGen C0027831, MONDO:0018975, OMIM 162200. Disease mechanism: loss of function.
Juvenile myelomonocytic leukemia (JMML). Also called: LEUKEMIA, JUVENILE MYELOMONOCYTIC, SOMATIC. Identifiers: Orphanet 86834, MedGen C0349639, MONDO:0011908, OMIM 607785, HP:0012209.
Neurofibromatosis, familial spinal (FSNF). Identifiers: Orphanet 636, MedGen C1834235, MONDO:0008078, OMIM 162210. Disease mechanism: loss of function.
NF1-related disorder. Also called: NF1-related condition. Identifiers: MedGen CN379171.

Allele frequency attached by ClinVar (database versions not stated): gnomAD exomes below 0.00001.
gnomAD v4.1: 3 of 1,613,112 alleles (0.00019%); highest among the groups gnomAD compares: East Asian, 0.0022%; no homozygotes.

Submissions (9):

Labcorp Genetics (formerly Invitae), Labcorp
Classification: Likely benign for Neurofibromatosis, type 1. Last evaluated: 2025-12-08. Review status: criteria provided, single submitter. Criteria: Invitae Variant Classification Sherloc (09022015). Collection method: clinical testing. Allele origin: germline.

PreventionGenetics, part of Exact Sciences
Classification: Uncertain significance for NF1-related condition. Last evaluated: 2025-11-25. Review status: criteria provided, single submitter. Criteria: ACMG Guidelines, 2015. Collection method: clinical testing. Allele origin: germline.
Comment: The NF1 c.3875A>G variant is predicted to result in the amino acid substitution p.Tyr1292Cys. This variant has been reported in an individual with neurofibromatosis 1 and was determined to be inherited (Table 1, Yao et al. 2019. PubMed ID: 31717729). This variant is reported in 0.0054% of alleles in individuals of East Asian descent in gnomAD and has conflicting interpretations in the ClinVar database ranging from likely pathogenic to likely benign (Variation ID: 404418). At this time, the clinical significance of this variant is uncertain due to the absence of conclusive functional and genetic evidence.

GeneDx
Classification: Uncertain significance. Last evaluated: 2025-09-19. Review status: criteria provided, single submitter. Criteria: GeneDx Variant Classification Process June 2021. Collection method: clinical testing. Allele origin: germline.
Comment: In silico analysis supports that this missense variant has a deleterious effect on protein structure/function; This variant is associated with the following publications: (PMID: 35547262, 33471991, 22807134, 25486365, 31717729)

Genomic Medicine Center of Excellence, King Faisal Specialist Hospital and Research Centre
Classification: Likely pathogenic for Neurofibromatosis, type 1. Last evaluated: 2024-12-19. Review status: criteria provided, single submitter. Criteria: ACMG Guidelines, 2015. Collection method: clinical testing. Allele origin: germline.

Baylor Genetics
Classification: Uncertain significance for Juvenile myelomonocytic leukemia. Last evaluated: 2024-02-23. Review status: criteria provided, single submitter. Criteria: ACMG Guidelines, 2015. Collection method: clinical testing. Allele origin: unknown.

Ambry Genetics
Classification: Uncertain significance for Cardiovascular phenotype; Hereditary cancer-predisposing syndrome. Last evaluated: 2022-03-26. Review status: criteria provided, single submitter. Criteria: Ambry Variant Classification Scheme 2023. Collection method: clinical testing. Allele origin: germline.

Genome-Nilou Lab
Classification: Uncertain significance for Neurofibromatosis, type 1. Last evaluated: 2022-03-15. Review status: criteria provided, single submitter. Criteria: ACMG Guidelines, 2015. Collection method: clinical testing. Allele origin: germline. Affected: no.

Sema4
Classification: Uncertain significance for Hereditary cancer-predisposing syndrome. Last evaluated: 2022-02-16. Review status: criteria provided, single submitter. Criteria: Sema4 Curation Guidelines. Collection method: curation. Allele origin: germline.
Comment: The NF1 c.3875A>G (p.Y1292C) variant has not been reported in the literature to our knowledge. It has been reported in a large case-control study of breast cancer in 1/60466 cases and 0/53461 controls (PMID: 33471991). It was observed in 1/251396 chromosomes across all populations, in the large and broad cohorts of the Genome Aggregation Database (PMID: 32461654). This variant has been reported in ClinVar (Variation ID 404418). In silico tools suggest the impact of the variant on protein function is deleterious, though these predictions have not been confirmed by functional studies. The evidence is insufficient to meet ACMG/AMP criteria for classifying the variant as benign or pathogenic. Thus, the clinical significance of this variant is currently uncertain.

Juno Genomics, Hangzhou Juno Genomics, Inc
Classification: Uncertain significance for Café-au-lait macules with pulmonary stenosis; Neurofibromatosis, type 1; Juvenile myelomonocytic leukemia; Neurofibromatosis, familial spinal; Neurofibromatosis-Noonan syndrome. Review status: criteria provided, single submitter. Criteria: ACMG Guidelines, 2015. Collection method: clinical testing. Allele origin: germline.
Comment: Absent from controls (or at extremely low frequency if recessive) in Genome Aggregation Database.;Multiple lines of computational evidence support a deleterious effect on the gene or gene product.;Missense variant in a gene that has a low rate of benign missense variation.;Patient's phenotype or family history is highly specific for a disease with a single genetic etiology.

Literature cited by the submitters: PubMed 33471991 (cited by Sema4).